The following is an entry in ClinVar:

ClinVar aggregate classification (germline): Benign. Review status: criteria provided, multiple submitters, no conflicts (2 of 4 stars). 9 submissions from 9 submitters: Benign (9). Last evaluated 2026-07-13.

Conditions:
Hyperplastic polyposis syndrome. Identifiers: Orphanet 157798, MedGen C4296896, MONDO:0015524.
Hereditary cancer-predisposing syndrome. Also called: Hereditary neoplastic syndrome; Hereditary Cancer Syndrome; Neoplastic Syndromes, Hereditary; Tumor predisposition. Identifiers: Orphanet 140162, MedGen C0027672, MeSH D009386, MONDO:0015356.
RNF43-related disorder. Also called: RNF43-related condition.

Allele frequency attached by ClinVar (database versions not stated): ESP Exome Variant Server 0.00023; gnomAD exomes 0.00100 and 0.00361; gnomAD 0.00135 and 0.00171; TOPMed 0.00212; 1000 Genomes Project 30x 0.00375; 1000 Genomes Project 0.00439; ExAC 0.00616.
gnomAD v4.1: 1,744 of 1,531,032 alleles (0.11%); highest among the groups gnomAD compares: East Asian, 2.7%; 23 homozygotes.

Submissions (9):

PreventionGenetics, part of Exact Sciences
Classification: Benign for RNF43-related condition. Last evaluated: 2026-07-13. Review status: criteria provided, single submitter. Criteria: ACMG Guidelines, 2015. Collection method: clinical testing. Allele origin: germline.
Comment: This variant is classified as benign based on ACMG/AMP sequence variant interpretation guidelines (Richards et al. 2015 PMID: 25741868, with internal and published modifications).

CeGaT Center for Human Genetics Tuebingen
Classification: Benign. Last evaluated: 2026-06-01. Review status: criteria provided, single submitter. Criteria: CeGaT Center For Human Genetics Tuebingen Variant Classification Criteria Version 2. Collection method: clinical testing. Allele origin: germline. Affected: yes. Observed: 7 variant alleles.
Comment: RNF43: BP4, BS1, BS2

Labcorp Genetics (formerly Invitae), Labcorp
Classification: Benign. Last evaluated: 2026-02-03. Review status: criteria provided, single submitter. Criteria: Invitae Variant Classification Sherloc (09022015). Collection method: clinical testing. Allele origin: germline.

Molecular Diagnostics Laboratory, Catalan Institute of Oncology
Classification: Benign for Hereditary cancer-predisposing syndrome. Last evaluated: 2025-05-25. Review status: criteria provided, single submitter. Criteria: ACMG Guidelines, 2015. Collection method: clinical testing. Allele origin: germline.
Comment: BA1 c.1093G>A, located in exon 9 of the RNF43 gene, is predicted to result in the substitution of Alanine by Threonine at codon 365, p.(Ala365Thr). The variant allele was found in 469/13072 alleles (5 homozygotes), with a filtering allele frequency of 3.21% at 99% confidence, within the East Asian population in the gnomAD v2.1.1 database (non-cancer data set) (BA1). Additional information has not been evaluated for this variant. Based on the currently available information, c.1093G>A is classified as a benign variant according to ACMG guidelines.

Center for Genomic Medicine, Rigshospitalet, Copenhagen University Hospital
Classification: Benign. Last evaluated: 2025-03-04. Review status: criteria provided, single submitter. Criteria: ACMG Guidelines, 2015. Collection method: clinical testing. Allele origin: germline.

Mayo Clinic Laboratories, Mayo Clinic
Classification: Benign. Last evaluated: 2025-03-04. Review status: criteria provided, single submitter. Criteria: ACMG Guidelines, 2015. Collection method: clinical testing. Allele origin: germline. Observed: 6 variant alleles.
Comment: BS1, BP4_strong

Ambry Genetics
Classification: Benign. Last evaluated: 2024-06-28. Review status: criteria provided, single submitter. Criteria: Ambry Variant Classification Scheme 2023. Collection method: clinical testing. Allele origin: germline.

Department of Pathology and Laboratory Medicine, Sinai Health System
Classification: Benign for Hyperplastic polyposis syndrome. Last evaluated: 2021-09-15. Review status: criteria provided, single submitter. Criteria: ACMG Guidelines, 2015. Collection method: clinical testing. Allele origin: germline. Affected: yes.

Breakthrough Genomics
Classification: Benign. Review status: criteria provided, single submitter. Criteria: ACMG Guidelines, 2015. Collection method: not provided. Allele origin: germline. Inheritance: Autosomal dominant inheritance. Affected: yes.

NM_017763.6(RNF43):c.1093G>A (p.Ala365Thr)

Gene: RNF43 (ring finger protein 43; minus strand). Cytogenetic location: 17q22.
Variant type: single nucleotide variant.
Coding change: c.1093G>A on transcript NM_017763.6 (MANE Select); coding-DNA position 1093, G replaced by A.
Protein change: p.Ala365Thr; replaces alanine 365 with threonine.
Molecular consequence: missense variant.
Genome position (GRCh38, 1-based): chr17:58,358,683, C>T on the plus strand (G>A on the coding strand, the complement: RNF43 is on the minus strand). VCF-style: chr17-58358683-C-T. GRCh37 (hg19) VCF-style: chr17-56436044-C-T.
Other names: p.Ala365Thr; c.1093G>A (NM_017763.4); c.1093G>A, p.Ala365Thr (NM_001305544.3); c.712G>A, p.Ala238Thr (NM_001305545.2); short protein forms A238T, A365T.
Identifiers: ClinVar variation 1167774 (VCV001167774.45), dbSNP rs79309393, ClinGen allele CA8673235.